The following is an entry in ClinVar:

NM_006070.6(TFG):c.808A>C (p.Ile270Leu)

Gene: TFG (trafficking from ER to golgi regulator; plus strand). Cytogenetic location: 3q12.2.
Variant type: single nucleotide variant.
Coding change: c.808A>C on transcript NM_006070.6 (MANE Select); coding-DNA position 808, A replaced by C.
Protein change: p.Ile270Leu; replaces isoleucine 270 with leucine.
Molecular consequence: missense variant.
Genome position (GRCh38, 1-based): chr3:100,744,919, A>C. VCF-style: chr3-100744919-A-C. GRCh37 (hg19) VCF-style: chr3-100463763-A-C.
Other names: c.808A>C, p.Ile270Leu (NM_001007565.2, NM_001195478.2); c.796A>C, p.Ile266Leu (NM_001195479.2); short protein forms I266L, I270L.
Identifiers: ClinVar variation 2952706 (VCV002952706.3), dbSNP rs1317136895, ClinGen allele CA353850583.

ClinVar aggregate classification (germline): Uncertain significance (1 of 4 stars; one submission).

Conditions:
Hereditary motor and sensory neuropathy, Okinawa type (HMSNO). Also called: HEREDITARY MOTOR AND SENSORY NEUROPATHY, PROXIMAL TYPE. Identifiers: Orphanet 90117, MedGen C1858338, MONDO:0011468, OMIM 604484.
Hereditary spastic paraplegia 57. Also called: Spastic paraplegia 57, autosomal recessive. Identifiers: Orphanet 431329, MedGen C3714897, MONDO:0014295, OMIM 615658.

Allele frequency attached by ClinVar (database versions not stated): gnomAD exomes below 0.00001.
gnomAD v4.1: 2 of 1,611,536 alleles (0.00012%); highest among the groups gnomAD compares: Non-Finnish European, 0.00017%; no homozygotes.

Submission:

Labcorp Genetics (formerly Invitae), Labcorp
Classification: Uncertain significance for Hereditary motor and sensory neuropathy, Okinawa type; Hereditary spastic paraplegia 57. Last evaluated: 2024-04-12. Review status: criteria provided, single submitter. Criteria: Invitae Variant Classification Sherloc (09022015). Collection method: clinical testing. Allele origin: germline.
Comment: This sequence change replaces isoleucine, which is neutral and non-polar, with leucine, which is neutral and non-polar, at codon 270 of the TFG protein (p.Ile270Leu). This variant is present in population databases (no rsID available, gnomAD 0.0009%). This variant has not been reported in the literature in individuals affected with TFG-related conditions. Advanced modeling of protein sequence and biophysical properties (such as structural, functional, and spatial information, amino acid conservation, physicochemical variation, residue mobility, and thermodynamic stability) performed at Invitae indicates that this missense variant is not expected to disrupt TFG protein function with a negative predictive value of 80%. In summary, the available evidence is currently insufficient to determine the role of this variant in disease. Therefore, it has been classified as a Variant of Uncertain Significance.